The following is an entry in ClinVar:

NM_015015.3(KDM4B):c.623C>T (p.Ser208Phe)

Gene: KDM4B (lysine demethylase 4B; plus strand). Cytogenetic location: 19p13.3.
Variant type: single nucleotide variant.
Coding change: c.623C>T on transcript NM_015015.3 (MANE Select); coding-DNA position 623, C replaced by T.
Protein change: p.Ser208Phe; replaces serine 208 with phenylalanine.
Molecular consequence: missense variant.
Genome position (GRCh38, 1-based): chr19:5,047,666, C>T. VCF-style: chr19-5047666-C-T. GRCh37 (hg19) VCF-style: chr19-5047677-C-T.
Other names: c.623C>T, p.Ser208Phe (NM_001370093.1, NM_001370094.1, NM_001411148.1); short protein forms S208F.
Identifiers: ClinVar variation 5009863 (VCV005009863.1).

ClinVar aggregate classification (germline): Uncertain significance (1 of 4 stars; one submission).

Submission:

GeneDx
Classification: Uncertain significance. Last evaluated: 2026-02-24. Review status: criteria provided, single submitter. Criteria: GeneDx Variant Classification Process June 2021. Collection method: clinical testing. Allele origin: germline.
Comment: Not observed at significant frequency in large population cohorts (gnomAD); In silico analysis supports that this missense variant has a deleterious effect on protein structure/function; Has not been previously published as pathogenic or benign to our knowledge